The following is an entry in ClinVar:

NM_004963.4(GUCY2C):c.2249+6G>A

Gene: GUCY2C (guanylate cyclase 2C; minus strand). Cytogenetic location: 12p12.3.
Variant type: single nucleotide variant.
Coding change: c.2249+6G>A on transcript NM_004963.4 (MANE Select); 6 bases into the intron after coding-DNA position 2249, G replaced by A.
Molecular consequence: intron variant.
Genome position (GRCh38, 1-based): chr12:14,628,640, C>T on the plus strand (G>A on the coding strand, the complement: GUCY2C is on the minus strand). VCF-style: chr12-14628640-C-T. GRCh37 (hg19) VCF-style: chr12-14781574-C-T.
Identifiers: ClinVar variation 3663116 (VCV003663116.2).
Genomic context (GRCh38, chr12:14,628,640, plus strand): 5'-GAATGTCAACTATAATTTTTTTAAAACCCTGCAATTAGTGAATAAAAGTAAACATTTCAG[C>T]AATACCCAAATATCTTGGCAAGTGTAGTCTCAATTTTTTTGAAATCTGGTCTCTTTTCTG-3'

ClinVar aggregate classification (germline): Uncertain significance (1 of 4 stars; one submission).

Submission:

Labcorp Genetics (formerly Invitae), Labcorp
Classification: Uncertain significance. Last evaluated: 2025-02-20. Review status: criteria provided, single submitter. Criteria: Invitae Variant Classification Sherloc (09022015). Collection method: clinical testing. Allele origin: germline.
Comment: This sequence change falls in intron 20 of the GUCY2C gene. It does not directly change the encoded amino acid sequence of the GUCY2C protein. It affects a nucleotide within the consensus splice site. This variant is not present in population databases (gnomAD no frequency). This variant has not been reported in the literature in individuals affected with GUCY2C-related conditions. Variants that disrupt the consensus splice site are a relatively common cause of aberrant splicing (PMID: 17576681, 9536098). Algorithms developed to predict the effect of sequence changes on RNA splicing suggest that this variant is not likely to affect RNA splicing. In summary, the available evidence is currently insufficient to determine the role of this variant in disease. Therefore, it has been classified as a Variant of Uncertain Significance.

Literature cited by the submitters: PubMed 17576681; PubMed 9536098.